The following is an entry in ClinVar:

ClinVar aggregate classification (germline): Conflicting classifications of pathogenicity. Review status: criteria provided, conflicting classifications (1 of 4 stars). 6 submissions from 6 submitters: Uncertain significance (1); Likely benign (4). 1 of the submissions does not count toward it. Last evaluated 2025-11-25.

Conditions:
AP3B1-related disorder. Also called: AP3B1-related condition.
Hermansky-Pudlak syndrome 2 (HPS2). Also called: Platelet defects and oculocutaneous albinism. Identifiers: Orphanet 183678, Orphanet 79430, MedGen C1842362, MONDO:0011997, OMIM 608233.

Allele frequency attached by ClinVar (database versions not stated): gnomAD 0.00006; gnomAD exomes 0.00012 and 0.00020; ESP Exome Variant Server 0.00015; TOPMed 0.00015; 1000 Genomes Project 30x 0.00016; ExAC 0.00018; 1000 Genomes Project 0.00020.
gnomAD v4.1: 190 of 1,612,996 alleles (0.012%); highest among the groups gnomAD compares: East Asian, 0.11%; no homozygotes.

Submissions (6):

Labcorp Genetics (formerly Invitae), Labcorp
Classification: Likely benign for Hermansky-Pudlak syndrome 2. Last evaluated: 2025-11-25. Review status: criteria provided, single submitter. Criteria: Invitae Variant Classification Sherloc (09022015). Collection method: clinical testing. Allele origin: germline.

Mayo Clinic Laboratories, Mayo Clinic
Classification: Likely benign. Last evaluated: 2025-10-24. Review status: criteria provided, single submitter. Criteria: ACMG Guidelines, 2015. Collection method: clinical testing. Allele origin: germline. Observed: 2 variant alleles.
Comment: BP4, BP7

Women's Health and Genetics/Laboratory Corporation of America, LabCorp
Classification: Likely benign. Last evaluated: 2024-08-22. Review status: criteria provided, single submitter. Criteria: LabCorp Variant Classification Summary - May 2015. Collection method: clinical testing. Allele origin: germline.

Blueprint Genetics
Classification: Likely benign. Last evaluated: 2024-05-23. Review status: criteria provided, single submitter. Criteria: ACMG Guidelines, 2015. Collection method: clinical testing. Allele origin: germline.

Illumina Laboratory Services, Illumina
Classification: Uncertain significance for Hermansky-Pudlak syndrome 2. Last evaluated: 2018-04-20. Review status: criteria provided, single submitter. Criteria: ICSL Variant Classification Criteria 13 December 2019. Collection method: clinical testing. Allele origin: germline.

PreventionGenetics, part of Exact Sciences
Classification: Likely benign for AP3B1-related condition. Last evaluated: 2024-03-19. Review status: no assertion criteria provided. Collection method: clinical testing. Allele origin: germline. Not counted in ClinVar's aggregate classification.
Comment: This variant is classified as likely benign based on ACMG/AMP sequence variant interpretation guidelines (Richards et al. 2015 PMID: 25741868, with internal and published modifications).

NM_003664.5(AP3B1):c.1749G>A (p.Pro583=)

Gene: AP3B1 (adaptor related protein complex 3 subunit beta 1; minus strand). Cytogenetic location: 5q14.1.
Variant type: single nucleotide variant.
Coding change: c.1749G>A on transcript NM_003664.5 (MANE Select); coding-DNA position 1749, G replaced by A.
Protein change: p.Pro583=; no amino-acid change (proline 583 retained).
Molecular consequence: synonymous variant.
Genome position (GRCh38, 1-based): chr5:78,129,209, C>T on the plus strand (G>A on the coding strand, the complement: AP3B1 is on the minus strand). VCF-style: chr5-78129209-C-T. GRCh37 (hg19) VCF-style: chr5-77425033-C-T.
Other names: p.Pro583=; c.1602G>A, p.Pro534= (NM_001271769.2).
Identifiers: ClinVar variation 797321 (VCV000797321.19), dbSNP rs201238945, ClinGen allele CA3316969.